The following is an entry in ClinVar:

ClinVar aggregate classification (germline): Likely pathogenic. Review status: criteria provided, single submitter (1 of 4 stars). 2 submissions from 2 submitters: Likely pathogenic (1). 1 of the submissions does not count toward it. Last evaluated 2023-09-08.

Conditions:
Mucolipidosis type II. Also called: Mucolipidosis 2; ML 2; Inclusion cell disease; Leroy Disease; N-acetylglucosamine 1phosphotransferase deficiency; ML disorder type 2. Identifiers: Orphanet 576, MedGen C2673377, MONDO:0009650, OMIM 252500.
Pseudo-Hurler polydystrophy. Also called: Type III Mucolipidosis; ML IIIA; Mucolipidosis III Alpha/Beta; MUCOLIPIDOSIS IIIA; ML III; ML III ALPHA/BETA. Identifiers: Orphanet 423461, Orphanet 577, MedGen C0033788, MONDO:0018931, OMIM 252600.

Allele frequency attached by ClinVar (database versions not stated): TOPMed 0.00001; gnomAD exomes 0.00001 and 0.00002.
gnomAD v4.1: 26 of 1,612,570 alleles (0.0016%); highest among the groups gnomAD compares: Non-Finnish European, 0.0022%; no homozygotes.

Submissions (2):

Labcorp Genetics (formerly Invitae), Labcorp
Classification: Likely pathogenic for Pseudo-Hurler polydystrophy; Mucolipidosis type II. Last evaluated: 2023-09-08. Review status: criteria provided, single submitter. Criteria: Invitae Variant Classification Sherloc (09022015). Collection method: clinical testing. Allele origin: germline.
Comment: This sequence change replaces serine, which is neutral and polar, with tyrosine, which is neutral and polar, at codon 15 of the GNPTAB protein (p.Ser15Tyr). The frequency data for this variant in the population databases is considered unreliable, as metrics indicate poor data quality at this position in the gnomAD database. This missense change has been observed in individual(s) with mucolipidosis III (PMID: 19617216). In at least one individual the data is consistent with being in trans (on the opposite chromosome) from a pathogenic variant. ClinVar contains an entry for this variant (Variation ID: 39081). Advanced modeling of protein sequence and biophysical properties (such as structural, functional, and spatial information, amino acid conservation, physicochemical variation, residue mobility, and thermodynamic stability) has been performed at Invitae for this missense variant, however the output from this modeling did not meet the statistical confidence thresholds required to predict the impact of this variant on GNPTAB protein function. Experimental studies have shown that this missense change affects GNPTAB function (PMID: 24550498). In summary, the currently available evidence indicates that the variant is pathogenic, but additional data are needed to prove that conclusively. Therefore, this variant has been classified as Likely Pathogenic.

GeneReviews
No classification provided. Condition: Pseudo-Hurler polydystrophy. Review status: no classification provided. Collection method: literature only. Allele origin: unknown. Not counted in ClinVar's aggregate classification.

Literature cited by the submitters: PubMed 19617216 (cited by Labcorp Genetics (formerly Invitae), Labcorp and GeneReviews); PubMed 24550498 (cited by Labcorp Genetics (formerly Invitae), Labcorp); PubMed 20301728 (cited by GeneReviews); NCBI Bookshelf NBK1828 (cited by GeneReviews).

NM_024312.5(GNPTAB):c.44C>A (p.Ser15Tyr)

Gene: GNPTAB (N-acetylglucosamine-1-phosphate transferase subunits alpha and beta; minus strand). Cytogenetic location: 12q23.2.
Variant type: single nucleotide variant.
Coding change: c.44C>A on transcript NM_024312.5 (MANE Select); coding-DNA position 44, C replaced by A.
Protein change: p.Ser15Tyr; replaces serine 15 with tyrosine.
Molecular consequence: missense variant.
Genome position (GRCh38, 1-based): chr12:101,830,632, G>T on the plus strand (C>A on the coding strand, the complement: GNPTAB is on the minus strand). VCF-style: chr12-101830632-G-T. GRCh37 (hg19) VCF-style: chr12-102224410-G-T.
Other names: short protein forms S15Y.
Identifiers: ClinVar variation 39081 (VCV000039081.6), dbSNP rs281864947, ClinGen allele CA343407.